The following is an entry in ClinVar:

NM_000551.4(VHL):c.106G>C (p.Glu36Gln)

Gene: VHL (von Hippel-Lindau tumor suppressor; plus strand). Cytogenetic location: 3p25.3.
Variant type: single nucleotide variant.
Coding change: c.106G>C on transcript NM_000551.4 (MANE Select); coding-DNA position 106, G replaced by C.
Protein change: p.Glu36Gln; replaces glutamic acid 36 with glutamine.
Molecular consequence: missense variant. On other transcripts: non-coding transcript variant (1).
Genome position (GRCh38, 1-based): chr3:10,141,953, G>C. VCF-style: chr3-10141953-G-C. GRCh37 (hg19) VCF-style: chr3-10183637-G-C.
Other names: c.106G>C, p.Glu36Gln (NM_001354723.2, NM_198156.3); short protein forms E36Q.
Identifiers: ClinVar variation 4789507 (VCV004789507.1).

ClinVar aggregate classification (germline): Uncertain significance (1 of 4 stars; one submission).

Conditions:
Chuvash polycythemia. Also called: POLYCYTHEMIA, VHL-DEPENDENT. Identifiers: Orphanet 238557, MedGen C1837915, MONDO:0009892, OMIM 263400.
Von Hippel-Lindau syndrome (VHLS). Also called: von Hippel–Lindau syndrome; VHL syndrome; Von Hippel-Lindau. Identifiers: Orphanet 892, MedGen C0019562, MONDO:0008667, OMIM 193300. Disease mechanism: loss of function.

Submission:

Labcorp Genetics (formerly Invitae), Labcorp
Classification: Uncertain significance for Von Hippel-Lindau syndrome; Chuvash polycythemia. Last evaluated: 2025-04-07. Review status: criteria provided, single submitter. Criteria: Invitae Variant Classification Sherloc (09022015). Collection method: clinical testing. Allele origin: germline.
Comment: This sequence change replaces glutamic acid, which is acidic and polar, with glutamine, which is neutral and polar, at codon 36 of the VHL protein (p.Glu36Gln). This variant is not present in population databases (gnomAD no frequency). This variant has not been reported in the literature in individuals affected with VHL-related conditions. Invitae Evidence Modeling of protein sequence and biophysical properties (such as structural, functional, and spatial information, amino acid conservation, physicochemical variation, residue mobility, and thermodynamic stability) indicates that this missense variant is not expected to disrupt VHL protein function with a negative predictive value of 95%. In summary, the available evidence is currently insufficient to determine the role of this variant in disease. Therefore, it has been classified as a Variant of Uncertain Significance.